The following is an entry in ClinVar:

NM_017780.4(CHD7):c.7009C>T (p.Arg2337Cys)

Gene: CHD7 (chromodomain helicase DNA binding protein 7; plus strand). Cytogenetic location: 8q12.2.
Variant type: single nucleotide variant.
Coding change: c.7009C>T on transcript NM_017780.4 (MANE Select); coding-DNA position 7009, C replaced by T.
Protein change: p.Arg2337Cys; replaces arginine 2337 with cysteine.
Molecular consequence: missense variant. On other transcripts: intron variant (1).
Genome position (GRCh38, 1-based): chr8:60,856,047, C>T. VCF-style: chr8-60856047-C-T. GRCh37 (hg19) VCF-style: chr8-61768606-C-T.
Other names: c.1717-6182C>T (NM_001316690.1); short protein forms R2337C.
Identifiers: ClinVar variation 1200282 (VCV001200282.8), dbSNP rs765610436, ClinGen allele CA4760722.

ClinVar aggregate classification (germline): Conflicting classifications of pathogenicity. Review status: criteria provided, conflicting classifications (1 of 4 stars). 3 submissions from 3 submitters: Uncertain significance (1); Likely benign (2). Last evaluated 2025-06-23.

Conditions:
Inborn genetic diseases. Identifiers: MedGen C0950123, MeSH D030342.

Allele frequency attached by ClinVar (database versions not stated): gnomAD 0.00002.
gnomAD v4.1: 17 of 1,611,090 alleles (0.0011%); highest among the groups gnomAD compares: South Asian, 0.0022%; no homozygotes.

Submissions (3):

Ambry Genetics
Classification: Likely benign for Inborn genetic diseases. Last evaluated: 2025-06-23. Review status: criteria provided, single submitter. Criteria: Ambry Variant Classification Scheme 2023. Collection method: clinical testing. Allele origin: germline.

GeneDx
Classification: Likely benign. Last evaluated: 2020-11-06. Review status: criteria provided, single submitter. Criteria: GeneDx Variant Classification Process June 2021. Collection method: clinical testing. Allele origin: germline. Affected: yes.
Comment: In silico analysis supports that this missense variant has a deleterious effect on protein structure/function; Missense variant in a gene in which most reported pathogenic variants are truncating/loss-of-function; Has not been previously published as pathogenic or benign to our knowledge

Genetic Services Laboratory, University of Chicago
Classification: Uncertain significance. Last evaluated: 2020-03-02. Review status: criteria provided, single submitter. Criteria: ACMG Guidelines, 2015. Collection method: clinical testing. Allele origin: germline. Affected: no.